The following is an entry in ClinVar:

NM_000238.4(KCNH2):c.2966-13T>C

Gene: KCNH2 (potassium voltage-gated channel subfamily H member 2; minus strand). Cytogenetic location: 7q36.1.
Variant type: single nucleotide variant.
Coding change: c.2966-13T>C on transcript NM_000238.4 (MANE Select); 13 bases into the intron before coding-DNA position 2966, T replaced by C.
Molecular consequence: intron variant.
Genome position (GRCh38, 1-based): chr7:150,947,527, A>G on the plus strand (T>C on the coding strand, the complement: KCNH2 is on the minus strand). VCF-style: chr7-150947527-A-G. GRCh37 (hg19) VCF-style: chr7-150644615-A-G.
Other names: c.2678-13T>C (NM_001406753.1); c.1946-13T>C (NM_172057.3).
Identifiers: ClinVar variation 4757080 (VCV004757080.1).

ClinVar aggregate classification (germline): Uncertain significance (1 of 4 stars; one submission).

Conditions:
Cardiac arrhythmia. Also called: Arrhythmia; Cardiac rhythm disease. Identifiers: MedGen C0003811, MONDO:0007263, HP:0011675.

Submission:

Color Diagnostics, LLC DBA Color Health
Classification: Uncertain significance for Cardiac arrhythmia. Last evaluated: 2025-06-18. Review status: criteria provided, single submitter. Criteria: ACMG Guidelines, 2015. Collection method: clinical testing. Allele origin: germline.
Comment: This variant causes a T to C nucleotide substitution at the -13 position of intron 12 of the KCNH2 gene. To our knowledge, functional studies have not been reported for this variant. This variant has not been reported in individuals affected with KCNH2-related disorders in the literature. This variant has not been identified in the general population by the Genome Aggregation Database (gnomAD). The available evidence is insufficient to determine the role of this variant in disease conclusively. Therefore, this variant is classified as a Variant of Uncertain Significance.